The following is an entry in ClinVar:

NM_021098.3(CACNA1H):c.6445C>T (p.Arg2149Trp)

Gene: CACNA1H (calcium voltage-gated channel subunit alpha1 H; plus strand). Cytogenetic location: 16p13.3.
Variant type: single nucleotide variant.
Coding change: c.6445C>T on transcript NM_021098.3 (MANE Select); coding-DNA position 6445, C replaced by T.
Protein change: p.Arg2149Trp; replaces arginine 2149 with tryptophan.
Molecular consequence: missense variant.
Genome position (GRCh38, 1-based): chr16:1,220,377, C>T. VCF-style: chr16-1220377-C-T. GRCh37 (hg19) VCF-style: chr16-1270377-C-T.
Other names: c.6427C>T, p.Arg2143Trp (NM_001005407.2); short protein forms R2143W, R2149W.
Identifiers: ClinVar variation 1497709 (VCV001497709.7), dbSNP rs752621913, ClinGen allele CA7802363.

ClinVar aggregate classification (germline): Uncertain significance. Review status: criteria provided, multiple submitters, no conflicts (2 of 4 stars). 2 submissions from 2 submitters: Uncertain significance (2). Last evaluated 2023-12-11.

Conditions:
Idiopathic generalized epilepsy. Also called: EIG; Generalised epilepsy. Identifiers: MedGen C0270850, MONDO:0005579, OMIM 600669.
Hyperaldosteronism, familial, type IV (HALD4). Also called: FH IV; ALDOSTERONISM, PRIMARY, AND HYPERTENSION. Identifiers: Orphanet 642671, MedGen C4310756, MONDO:0014875, OMIM 617027.
Epilepsy, childhood absence, susceptibility to, 6. Identifiers: Orphanet 64280, MedGen C2749872, MONDO:0012763, OMIM 611942.

Allele frequency attached by ClinVar (database versions not stated): ExAC 0.00001.
gnomAD v4.1: 41 of 1,523,016 alleles (0.0027%); highest among the groups gnomAD compares: Middle Eastern, 0.088%; 1 homozygote.

Submissions (2):

Labcorp Genetics (formerly Invitae), Labcorp
Classification: Uncertain significance for Idiopathic generalized epilepsy; Hyperaldosteronism, familial, type IV. Last evaluated: 2023-12-11. Review status: criteria provided, single submitter. Criteria: Invitae Variant Classification Sherloc (09022015). Collection method: clinical testing. Allele origin: germline.
Comment: This sequence change replaces arginine, which is basic and polar, with tryptophan, which is neutral and slightly polar, at codon 2149 of the CACNA1H protein (p.Arg2149Trp). The frequency data for this variant in the population databases is considered unreliable, as metrics indicate poor data quality at this position in the gnomAD database. This variant has not been reported in the literature in individuals affected with CACNA1H-related conditions. ClinVar contains an entry for this variant (Variation ID: 1497709). Advanced modeling of protein sequence and biophysical properties (such as structural, functional, and spatial information, amino acid conservation, physicochemical variation, residue mobility, and thermodynamic stability) performed at Invitae indicates that this missense variant is not expected to disrupt CACNA1H protein function with a negative predictive value of 80%. In summary, the available evidence is currently insufficient to determine the role of this variant in disease. Therefore, it has been classified as a Variant of Uncertain Significance.

Fulgent Genetics
Classification: Uncertain significance for Epilepsy, childhood absence, susceptibility to, 6; Hyperaldosteronism, familial, type IV. Last evaluated: 2021-11-15. Review status: criteria provided, single submitter. Criteria: ACMG Guidelines, 2015. Collection method: clinical testing. Allele origin: unknown.